The following is an entry in ClinVar:

ClinVar aggregate classification (germline): Uncertain significance. Review status: criteria provided, multiple submitters, no conflicts (2 of 4 stars). 2 submissions from 2 submitters: Uncertain significance (2). Last evaluated 2025-12-02.

Conditions:
Hereditary cancer-predisposing syndrome. Also called: Tumor predisposition; Hereditary Cancer Syndrome; Hereditary neoplastic syndrome; Neoplastic Syndromes, Hereditary. Identifiers: Orphanet 140162, MedGen C0027672, MeSH D009386, MONDO:0015356.
POLD1-related polyposis and colorectal cancer syndrome (CRCS10). Also called: Colorectal cancer 10; COLORECTAL CANCER, SUSCEPTIBILITY TO, ON CHROMOSOME 19q; Colorectal cancer, susceptibility to, 10. Identifiers: Orphanet 220460, MedGen C2675481, MONDO:0012953, OMIM 612591.

Submissions (2):

Ambry Genetics
Classification: Uncertain significance for Hereditary cancer-predisposing syndrome. Last evaluated: 2025-12-02. Review status: criteria provided, single submitter. Criteria: Ambry Variant Classification Scheme 2023. Collection method: clinical testing. Allele origin: germline.
Comment: The p.G744A variant (also known as c.2231G>C), located in coding exon 17 of the POLD1 gene, results from a G to C substitution at nucleotide position 2231. The glycine at codon 744 is replaced by alanine, an amino acid with similar properties. This amino acid position is conserved. In addition, the in silico prediction for this alteration is inconclusive. Based on the available evidence, the clinical significance of this variant remains unclear.

Labcorp Genetics (formerly Invitae), Labcorp
Classification: Uncertain significance for POLD1-related polyposis and colorectal cancer syndrome. Last evaluated: 2019-11-19. Review status: criteria provided, single submitter. Criteria: Invitae Variant Classification Sherloc (09022015). Collection method: clinical testing. Allele origin: germline.
Comment: In summary, the available evidence is currently insufficient to determine the role of this variant in disease. Therefore, it has been classified as a Variant of Uncertain Significance. Algorithms developed to predict the effect of missense changes on protein structure and function are either unavailable or do not agree on the potential impact of this missense change (SIFT: "Tolerated"; PolyPhen-2: "Probably Damaging"; Align-GVGD: "Class C0"). This variant has not been reported in the literature in individuals with POLD1-related conditions. This variant is not present in population databases (ExAC no frequency). This sequence change replaces glycine with alanine at codon 744 of the POLD1 protein (p.Gly744Ala). The glycine residue is highly conserved and there is a small physicochemical difference between glycine and alanine.

NM_002691.4(POLD1):c.2231G>C (p.Gly744Ala)

Gene: POLD1 (DNA polymerase delta 1, catalytic subunit; plus strand). Cytogenetic location: 19q13.33.
Variant type: single nucleotide variant.
Coding change: c.2231G>C on transcript NM_002691.4 (MANE Select); coding-DNA position 2231, G replaced by C.
Protein change: p.Gly744Ala; replaces glycine 744 with alanine.
Molecular consequence: missense variant. On other transcripts: non-coding transcript variant (1).
Genome position (GRCh38, 1-based): chr19:50,413,502, G>C. VCF-style: chr19-50413502-G-C. GRCh37 (hg19) VCF-style: chr19-50916759-G-C.
Other names: c.2231G>C (NM_002691.2); c.2231G>C, p.Gly744Ala (NM_001256849.1); c.2309G>C, p.Gly770Ala (NM_001308632.1); short protein forms G744A, G770A.
Identifiers: ClinVar variation 843601 (VCV000843601.10), dbSNP rs1555792558, ClinGen allele CA406983771.